The following is an entry in ClinVar:

ClinVar aggregate classification (germline): Uncertain significance. Review status: criteria provided, multiple submitters, no conflicts (2 of 4 stars). 2 submissions from 2 submitters: Uncertain significance (2). Last evaluated 2019-07-30.

Conditions:
Catecholaminergic polymorphic ventricular tachycardia 1. Also called: VENTRICULAR TACHYCARDIA, CATECHOLAMINERGIC POLYMORPHIC, 1, WITH OR WITHOUT ATRIAL DYSFUNCTION AND/OR DILATED CARDIOMYOPATHY; VENTRICULAR TACHYCARDIA, STRESS-INDUCED POLYMORPHIC 1; RYR2-Related Catecholaminergic Polymorphic Ventricular Tachycardia. Identifiers: Orphanet 3286, MedGen C1631597, MONDO:0011484, OMIM 604772.

Submissions (2):

Labcorp Genetics (formerly Invitae), Labcorp
Classification: Uncertain significance for Catecholaminergic polymorphic ventricular tachycardia 1. Last evaluated: 2019-07-30. Review status: criteria provided, single submitter. Criteria: Invitae Variant Classification Sherloc (09022015). Collection method: clinical testing. Allele origin: germline.
Comment: In summary, the available evidence is currently insufficient to determine the role of this variant in disease. Therefore, it has been classified as a Variant of Uncertain Significance. Algorithms developed to predict the effect of missense changes on protein structure and function (SIFT, PolyPhen-2, Align-GVGD) all suggest that this variant is likely to be disruptive, but these predictions have not been confirmed by published functional studies and their clinical significance is uncertain. This variant is not present in population databases (ExAC no frequency). This sequence change replaces valine with aspartic acid at codon 3980 of the RYR2 protein (p.Val3980Asp). The valine residue is highly conserved and there is a large physicochemical difference between valine and aspartic acid.

Mendelics
Classification: Uncertain significance for Catecholaminergic polymorphic ventricular tachycardia 1. Last evaluated: 2019-05-28. Review status: criteria provided, single submitter. Criteria: Mendelics Assertion Criteria 2017. Collection method: clinical testing. Allele origin: unknown.

NM_001035.3(RYR2):c.11939T>A (p.Val3980Asp)

Gene: RYR2 (ryanodine receptor 2; plus strand). Cytogenetic location: 1q43.
Variant type: single nucleotide variant.
Coding change: c.11939T>A on transcript NM_001035.3 (MANE Select); coding-DNA position 11939, T replaced by A.
Protein change: p.Val3980Asp; replaces valine 3980 with aspartic acid.
Molecular consequence: missense variant.
Genome position (GRCh38, 1-based): chr1:237,781,623, T>A. VCF-style: chr1-237781623-T-A. GRCh37 (hg19) VCF-style: chr1-237944923-T-A.
Other names: short protein forms V3980D.
Identifiers: ClinVar variation 801640 (VCV000801640.12), dbSNP rs1573923041, ClinGen allele CA345410186.
Genomic context (GRCh38, chr1:237,781,623, plus strand): 5'-AGGATTCCAGTCAAATTGAGCTATTAAAAGAATTAATGGATCTGCAGAAGGATATGGTGG[T>A]CATGTTGCTGTCCATGTTAGAAGGTAGTTTTGATTTATACTTTTAAATTCTCTTTATTAT-3'
Protein context (NP_001026.2, residues 3970-3990): ELMDLQKDMV[Val3980Asp]MLLSMLEGNV